The following is an entry in ClinVar:

NM_007259.5(VPS45):c.192A>T (p.Lys64Asn)

Gene: VPS45 (vacuolar protein sorting 45 homolog; plus strand). Cytogenetic location: 1q21.2.
Variant type: single nucleotide variant.
Coding change: c.192A>T on transcript NM_007259.5 (MANE Select); coding-DNA position 192, A replaced by T.
Protein change: p.Lys64Asn; replaces lysine 64 with asparagine.
Molecular consequence: missense variant. On other transcripts: non-coding transcript variant (1).
Genome position (GRCh38, 1-based): chr1:150,068,728, A>T. VCF-style: chr1-150068728-A-T. GRCh37 (hg19) VCF-style: chr1-150040785-A-T.
Other names: c.84A>T, p.Lys28Asn (NM_001279353.2, NM_001279354.2); short protein forms K28N, K64N.
Identifiers: ClinVar variation 651412 (VCV000651412.12), dbSNP rs1441537795, ClinGen allele CA342258851.

ClinVar aggregate classification (germline): Uncertain significance. Review status: criteria provided, single submitter (1 of 4 stars). 2 submissions from 2 submitters: Uncertain significance (1). 1 of the submissions does not count toward it. Last evaluated 2021-08-30.

Conditions:
Congenital neutropenia-myelofibrosis-nephromegaly syndrome. Also called: Severe congenital neutropenia 5, autosomal recessive. Identifiers: Orphanet 369852, MedGen C3809031, MONDO:0014118, OMIM 615285.

Allele frequency attached by ClinVar (database versions not stated): gnomAD 0.00001; TOPMed 0.00001.
gnomAD v4.1: 1 of 1,612,650 alleles (0.000062%); highest among the groups gnomAD compares: African/African-American, 0.0013%; no homozygotes.

Submissions (2):

Labcorp Genetics (formerly Invitae), Labcorp
Classification: Uncertain significance for Congenital neutropenia-myelofibrosis-nephromegaly syndrome. Last evaluated: 2021-08-30. Review status: criteria provided, single submitter. Criteria: Invitae Variant Classification Sherloc (09022015). Collection method: clinical testing. Allele origin: germline.
Comment: This sequence change replaces lysine with asparagine at codon 64 of the VPS45 protein (p.Lys64Asn). The lysine residue is highly conserved and there is a moderate physicochemical difference between lysine and asparagine. This variant is not present in population databases (ExAC no frequency). This variant has not been reported in the literature in individuals affected with VPS45-related conditions. Algorithms developed to predict the effect of missense changes on protein structure and function are either unavailable or do not agree on the potential impact of this missense change (SIFT: "Deleterious"; PolyPhen-2: "Possibly Damaging"; Align-GVGD: "Class C0"). In summary, the available evidence is currently insufficient to determine the role of this variant in disease. Therefore, it has been classified as a Variant of Uncertain Significance.

Natera, Inc.
Classification: Uncertain significance for Autosomal recessive severe congenital neutropenia 5. Last evaluated: 2020-07-29. Review status: no assertion criteria provided. Collection method: clinical testing. Allele origin: germline. Not counted in ClinVar's aggregate classification.